The following is an entry in ClinVar:

ClinVar aggregate classification (germline): Uncertain significance (1 of 4 stars; one submission).

Allele frequency attached by ClinVar (database versions not stated): gnomAD 0.00001; ExAC 0.00002.
gnomAD v4.1: 15 of 1,612,932 alleles (0.00093%); highest among the groups gnomAD compares: East Asian, 0.033%; no homozygotes.

Submission:

GeneDx
Classification: Uncertain significance. Last evaluated: 2025-09-11. Review status: criteria provided, single submitter. Criteria: GeneDx Variant Classification Process June 2021. Collection method: clinical testing. Allele origin: germline. Affected: yes.
Comment: In silico analysis suggests that this missense variant does not alter protein structure/function; Has not been previously published as pathogenic or benign to our knowledge

NM_000899.5(KITLG):c.281G>C (p.Gly94Ala)

Gene: KITLG (KIT ligand; minus strand). Cytogenetic location: 12q21.32.
Variant type: single nucleotide variant.
Coding change: c.281G>C on transcript NM_000899.5 (MANE Select); coding-DNA position 281, G replaced by C.
Protein change: p.Gly94Ala; replaces glycine 94 with alanine.
Molecular consequence: missense variant.
Genome position (GRCh38, 1-based): chr12:88,518,779, C>G on the plus strand (G>C on the coding strand, the complement: KITLG is on the minus strand). VCF-style: chr12-88518779-C-G. GRCh37 (hg19) VCF-style: chr12-88912556-C-G.
Other names: c.281G>C, p.Gly94Ala (NM_003994.6); short protein forms G94A.
Identifiers: ClinVar variation 1320528 (VCV001320528.4), dbSNP rs759217048, ClinGen allele CA6713731.
Genomic context (GRCh38, chr12:88,518,779, plus strand): 5'-CACTCCACAAGGTCATCCACTATATTCACAAGTTTGTCTATGATGGAATAATTACTCAAG[C>G]CTTCAGAAATATTTGAAAACTTGTCCAGAAGATCAGTCAAGCTGTCTGACAATTGTACTA-3'
Protein context (NP_000890.1, residues 84-104): LLDKFSNISE[Gly94Ala]LSNYSIIDKL